The following is an entry in ClinVar:

ClinVar aggregate classification (germline): Uncertain significance. Review status: criteria provided, multiple submitters, no conflicts (2 of 4 stars). 2 submissions from 2 submitters: Uncertain significance (2). Last evaluated 2022-07-18.

Conditions:
Charcot-Marie-Tooth disease axonal type 2O. Also called: Charcot-Marie-Tooth Neuropathy Type 2O; CHARCOT-MARIE-TOOTH NEUROPATHY, AXONAL, TYPE 2O; CHARCOT-MARIE-TOOTH DISEASE, AXONAL, AUTOSOMAL DOMINANT, TYPE 2O; Charcot-Marie-Tooth disease, axonal, type 20. Identifiers: Orphanet 284232, MedGen C3280220, MONDO:0013644, OMIM 614228.

Submissions (2):

Labcorp Genetics (formerly Invitae), Labcorp
Classification: Uncertain significance for Charcot-Marie-Tooth disease axonal type 2O. Last evaluated: 2022-07-18. Review status: criteria provided, single submitter. Criteria: Invitae Variant Classification Sherloc (09022015). Collection method: clinical testing. Allele origin: germline.
Comment: In summary, the available evidence is currently insufficient to determine the role of this variant in disease. Therefore, it has been classified as a Variant of Uncertain Significance. Advanced modeling of protein sequence and biophysical properties (such as structural, functional, and spatial information, amino acid conservation, physicochemical variation, residue mobility, and thermodynamic stability) performed at Invitae indicates that this missense variant is not expected to disrupt DYNC1H1 protein function. ClinVar contains an entry for this variant (Variation ID: 246470). This variant has not been reported in the literature in individuals affected with DYNC1H1-related conditions. This variant is not present in population databases (gnomAD no frequency). This sequence change replaces arginine, which is basic and polar, with lysine, which is basic and polar, at codon 485 of the DYNC1H1 protein (p.Arg485Lys).

GeneDx
Classification: Uncertain significance. Last evaluated: 2016-03-10. Review status: criteria provided, single submitter. Criteria: GeneDx Variant Classification (06012015). Collection method: clinical testing. Allele origin: germline. Affected: yes.
Comment: The R485K variant has not been published as a pathogenic variant, nor has it been reported as a benign variant to our knowledge. It was not observed in approximately 6,500 individuals of European and African American ancestry in the NHLBI Exome Sequencing Project, indicating it is not a common benign variant in these populations. This substitution occurs at a position that is conserved across species. However, the R485K variant is a conservative amino acid substitution, which is not likely to impact secondary protein structure as these residues share similar properties. Additionally, missense variants in nearby residues have not been reported in the Human Gene Mutation Database in association with DYNC1H1-related disorders (Stenson et al., 2014). In silico analysis is inconsistent in its predictions as to whether or not the variant is damaging to the protein structure/function. Therefore, based on the currently available information, it is unclear whether this variant is a pathogenic variant or a rare benign variant.

NM_001376.5(DYNC1H1):c.1454G>A (p.Arg485Lys)

Gene: DYNC1H1 (dynein cytoplasmic 1 heavy chain 1; plus strand). Cytogenetic location: 14q32.31.
Variant type: single nucleotide variant.
Coding change: c.1454G>A on transcript NM_001376.5 (MANE Select); coding-DNA position 1454, G replaced by A.
Protein change: p.Arg485Lys; replaces arginine 485 with lysine.
Molecular consequence: missense variant.
Genome position (GRCh38, 1-based): chr14:101,983,602, G>A. VCF-style: chr14-101983602-G-A. GRCh37 (hg19) VCF-style: chr14-102449939-G-A.
Other names: short protein forms R485K.
Identifiers: ClinVar variation 246470 (VCV000246470.9), dbSNP rs879254275, ClinGen allele CA10584456.